The following is an entry in ClinVar:

NM_000384.3(APOB):c.11905G>A (p.Glu3969Lys)

Gene: APOB (apolipoprotein B; minus strand). Cytogenetic location: 2p24.1.
Variant type: single nucleotide variant.
Coding change: c.11905G>A on transcript NM_000384.3 (MANE Select); coding-DNA position 11905, G replaced by A.
Protein change: p.Glu3969Lys; replaces glutamic acid 3969 with lysine.
Molecular consequence: missense variant.
Genome position (GRCh38, 1-based): chr2:21,004,451, C>T on the plus strand (G>A on the coding strand, the complement: APOB is on the minus strand). VCF-style: chr2-21004451-C-T. GRCh37 (hg19) VCF-style: chr2-21227323-C-T.
Other names: short protein forms E3969K.
Identifiers: ClinVar variation 1744689 (VCV001744689.2), dbSNP rs1466304592, ClinGen allele CA345975939.

ClinVar aggregate classification (germline): Uncertain significance (1 of 4 stars; one submission).

Conditions:
Cardiovascular phenotype. Identifiers: MedGen CN230736.

Allele frequency attached by ClinVar (database versions not stated): TOPMed below 0.00001; gnomAD exomes 0.00001.
gnomAD v4.1: 26 of 1,613,922 alleles (0.0016%); highest among the groups gnomAD compares: Non-Finnish European, 0.0018%; no homozygotes.

Submission:

Ambry Genetics
Classification: Uncertain significance for Cardiovascular phenotype. Last evaluated: 2021-12-08. Review status: criteria provided, single submitter. Criteria: Ambry Variant Classification Scheme 2023. Collection method: clinical testing. Allele origin: germline.
Comment: The p.E3969K variant (also known as c.11905G>A), located in coding exon 28 of the APOB gene, results from a G to A substitution at nucleotide position 11905. The glutamic acid at codon 3969 is replaced by lysine, an amino acid with similar properties. This amino acid position is conserved. In addition, this alteration is predicted to be tolerated by in silico analysis. Since supporting evidence is limited at this time, the clinical significance of this alteration remains unclear.